The following is an entry in ClinVar:

NM_001267550.2(TTN):c.100765+5AAAT[2]

Genes: TTN-AS1 (TTN antisense RNA 1; plus strand), TTN (titin; minus strand). Cytogenetic location: 2q31.2.
Variant type: Microsatellite.
Coding change: c.100765+5AAAT[2] on transcript NM_001267550.2 (MANE Select); two copies in a row of the 4-base unit AAAT starting at c.100765+5; the reference has three copies in a row; one copy, 4 bases deleted.
Molecular consequence: intron variant.
Genome position (GRCh38, 1-based): chr2:178,535,966-178,535,969, ATTT deleted on the plus strand (AAAT on the coding strand, the reverse complement: TTN is on the minus strand); deleting any 4 consecutive bases within chr2:178,535,966-178,535,977 gives the same sequence; the position shown is the placement nearest the transcript's 3' end. VCF-style (leftmost placement, unchanged base first): chr2-178535965-AATTT-A. GRCh37 (hg19) VCF-style: chr2-179400692-AATTT-A.
Other names: c.73570+5AAAT[2] (NM_003319.4); c.74146+5AAAT[2] (NM_133437.4); c.73945+5AAAT[2] (NM_133432.3); c.93061+5AAAT[2] (NM_133378.4); c.95842+5AAAT[2] (NM_001256850.1); c.93061+13_93061+16delAAAT (NM_133378.4).
Identifiers: ClinVar variation 2097004 (VCV002097004.5), dbSNP rs776563315, ClinGen allele CA1985999.
Genomic context (GRCh38, chr2:178,535,965, plus strand): 5'-GTTTAAGTGCAATAGCCTCCACCCCCAAGTTAATAACTCATTTAGCCTCAACTTGATGAT[AATTT>A]ATTTATTTTTACCTTCCACTTCCAAGGAGGCAGTGCCAGACACAGATCCCCCTTGGTTGG-3'

ClinVar aggregate classification (germline): Likely benign. Review status: criteria provided, multiple submitters, no conflicts (2 of 4 stars). 2 submissions from 2 submitters: Likely benign (2). Last evaluated 2025-12-29.

Conditions:
Autosomal recessive limb-girdle muscular dystrophy type 2J (LGMDR10). Also called: Limb-girdle muscular dystrophy, type 2J; MUSCULAR DYSTROPHY, LIMB-GIRDLE, AUTOSOMAL RECESSIVE 10. Identifiers: Orphanet 140922, MedGen C1837342, MONDO:0012127, OMIM 608807.
Dilated cardiomyopathy 1G (CMD1G). Identifiers: Orphanet 154, MedGen C1858763, MONDO:0011400, OMIM 604145.

Submissions (2):

Women's Health and Genetics/Laboratory Corporation of America, LabCorp
Classification: Likely benign. Last evaluated: 2025-12-29. Review status: criteria provided, single submitter. Criteria: LabCorp Variant Classification Summary - May 2015. Collection method: clinical testing. Allele origin: germline.
Comment: Variant summary: TTN c.93061+13_93061+16delAAAT is located at a position not widely known to affect splicing. Consensus agreement among computation tools predicts no significant impact on normal splicing. However, these predictions have yet to be confirmed by functional studies. The variant allele was found at a frequency of 4.5e-05 in 177256 control chromosomes (gnomAD). The available data on variant occurrences in the general population are insufficient to allow any conclusion about variant significance. To our knowledge, no occurrence of c.93061+13_93061+16delAAAT in individuals affected with TTN-related conditions and no experimental evidence demonstrating its impact on protein function have been reported. ClinVar contains an entry for this variant (Variation ID: 2097004). Based on the evidence outlined above, the variant was classified as likely benign.

Labcorp Genetics (formerly Invitae), Labcorp
Classification: Likely benign for Dilated cardiomyopathy 1G; Autosomal recessive limb-girdle muscular dystrophy type 2J. Last evaluated: 2025-10-26. Review status: criteria provided, single submitter. Criteria: Invitae Variant Classification Sherloc (09022015). Collection method: clinical testing. Allele origin: germline.